The following is an entry in ClinVar:

NM_005045.4(RELN):c.474-7T>C

Gene: RELN (reelin; minus strand). Cytogenetic location: 7q22.1.
Variant type: single nucleotide variant.
Coding change: c.474-7T>C on transcript NM_005045.4 (MANE Select); 7 bases into the intron before coding-DNA position 474, T replaced by C.
Molecular consequence: intron variant.
Genome position (GRCh38, 1-based): chr7:103,776,634, A>G on the plus strand (T>C on the coding strand, the complement: RELN is on the minus strand). VCF-style: chr7-103776634-A-G. GRCh37 (hg19) VCF-style: chr7-103417081-A-G.
Other names: c.474-7T>C (NM_173054.3).
Identifiers: ClinVar variation 95221 (VCV000095221.71), dbSNP rs55693709, ClinGen allele CA208897.

ClinVar aggregate classification (germline): Conflicting classifications of pathogenicity. Review status: criteria provided, conflicting classifications (1 of 4 stars). 10 submissions from 10 submitters: Uncertain significance (3); Benign (1); Likely benign (4). 2 of the submissions do not count toward it. Last evaluated 2026-02-01.

Conditions:
Norman-Roberts syndrome (LIS2). Also called: Lissencephaly 2 (Norman-Roberts type). Identifiers: Orphanet 89844, MedGen C0796089, MONDO:0009760, OMIM 257320.
Familial temporal lobe epilepsy 7. Identifiers: Orphanet 101046, MedGen C4225327, MONDO:0014639, OMIM 616436.

Allele frequency attached by ClinVar (database versions not stated): 1000 Genomes Project 0.00060; 1000 Genomes Project 30x 0.00062; gnomAD 0.00098 and 0.00105; TOPMed 0.00117; gnomAD exomes 0.00123; ExAC 0.00125; ESP Exome Variant Server 0.00146.
gnomAD v4.1: 2,138 of 1,613,980 alleles (0.13%); highest among the groups gnomAD compares: Admixed American, 0.19%; 2 homozygotes.

Submissions (10):

CeGaT Center for Human Genetics Tuebingen
Classification: Likely benign. Last evaluated: 2026-02-01. Review status: criteria provided, single submitter. Criteria: CeGaT Center For Human Genetics Tuebingen Variant Classification Criteria Version 2. Collection method: clinical testing. Allele origin: germline. Affected: yes. Observed: 12 variant alleles.
Comment: RELN: BP4

Labcorp Genetics (formerly Invitae), Labcorp
Classification: Likely benign for Familial temporal lobe epilepsy 7; Norman-Roberts syndrome. Last evaluated: 2026-01-12. Review status: criteria provided, single submitter. Criteria: Invitae Variant Classification Sherloc (09022015). Collection method: clinical testing. Allele origin: germline.

Blueprint Genetics
Classification: Likely benign. Last evaluated: 2024-11-27. Review status: criteria provided, single submitter. Criteria: ACMG Guidelines, 2015. Collection method: clinical testing. Allele origin: germline.

Athena Diagnostics
Classification: Benign. Last evaluated: 2024-07-30. Review status: criteria provided, single submitter. Criteria: Athena Diagnostics Criteria. Collection method: clinical testing. Allele origin: unknown.

GeneDx
Classification: Likely benign. Last evaluated: 2020-11-18. Review status: criteria provided, single submitter. Criteria: GeneDx Variant Classification Process June 2021. Collection method: clinical testing. Allele origin: germline. Affected: yes.

Illumina Laboratory Services, Illumina
Classification: Uncertain significance for Norman-Roberts syndrome. Last evaluated: 2018-01-12. Review status: criteria provided, single submitter. Criteria: ICSL Variant Classification Criteria 13 December 2019. Collection method: clinical testing. Allele origin: germline.

Eurofins Ntd Llc (ga)
Classification: Uncertain significance. Last evaluated: 2017-10-11. Review status: criteria provided, single submitter. Criteria: EGL Classification Definitions 2015. Collection method: clinical testing. Allele origin: germline. Observed: 5 variant alleles, 5 heterozygotes.

Genetic Services Laboratory, University of Chicago
Classification: Uncertain significance. Last evaluated: 2015-02-18. Review status: criteria provided, single submitter. Criteria: ACMG Guidelines, 2015. Collection method: clinical testing. Allele origin: germline.

Clinical Genetics DNA and cytogenetics Diagnostics Lab, Erasmus MC, Erasmus Medical Center
Classification: Likely benign. Review status: no assertion criteria provided. Collection method: clinical testing. Allele origin: germline. Affected: yes. Study: VKGL Data-share Consensus. Not counted in ClinVar's aggregate classification.

Genome Diagnostics Laboratory, University Medical Center Utrecht
Classification: Likely benign. Review status: no assertion criteria provided. Collection method: clinical testing. Allele origin: germline. Affected: yes. Study: VKGL Data-share Consensus. Not counted in ClinVar's aggregate classification.